The following is an entry in ClinVar:

ClinVar aggregate classification (germline): Uncertain significance (1 of 4 stars; one submission).

Allele frequency attached by ClinVar (database versions not stated): TOPMed 0.00001.
gnomAD v4.1: 2 of 1,613,508 alleles (0.00012%); no homozygotes.

Submission:

Labcorp Genetics (formerly Invitae), Labcorp
Classification: Uncertain significance. Last evaluated: 2022-05-08. Review status: criteria provided, single submitter. Criteria: Invitae Variant Classification Sherloc (09022015). Collection method: clinical testing. Allele origin: germline.
Comment: This sequence change replaces aspartic acid, which is acidic and polar, with glutamic acid, which is acidic and polar, at codon 256 of the ERCC3 protein (p.Asp256Glu). This variant is not present in population databases (gnomAD no frequency). This variant has not been reported in the literature in individuals affected with ERCC3-related conditions. Algorithms developed to predict the effect of missense changes on protein structure and function are either unavailable or do not agree on the potential impact of this missense change (SIFT: "Deleterious"; PolyPhen-2: "Benign"; Align-GVGD: "Class C0"). In summary, the available evidence is currently insufficient to determine the role of this variant in disease. Therefore, it has been classified as a Variant of Uncertain Significance.

NM_000122.2(ERCC3):c.768C>G (p.Asp256Glu)

Gene: ERCC3 (ERCC excision repair 3, TFIIH core complex helicase subunit; minus strand). Cytogenetic location: 2q14.3.
Variant type: single nucleotide variant.
Coding change: c.768C>G on transcript NM_000122.2 (MANE Select); coding-DNA position 768, C replaced by G.
Protein change: p.Asp256Glu; replaces aspartic acid 256 with glutamic acid.
Molecular consequence: missense variant.
Genome position (GRCh38, 1-based): chr2:127,289,391, G>C on the plus strand (C>G on the coding strand, the complement: ERCC3 is on the minus strand). VCF-style: chr2-127289391-G-C. GRCh37 (hg19) VCF-style: chr2-128046967-G-C.
Other names: c.576C>G, p.Asp192Glu (NM_001303416.2, NM_001303418.2); short protein forms D192E, D256E.
Identifiers: ClinVar variation 2192134 (VCV002192134.1), dbSNP rs1038911769, ClinGen allele CA55339933.